The following is an entry in ClinVar:

ClinVar aggregate classification (germline): Benign. Review status: criteria provided, multiple submitters, no conflicts (2 of 4 stars). 3 submissions from 3 submitters: Benign (2). 1 of the submissions does not count toward it. Last evaluated 2018-02-28.

Conditions:
POLQ-related disorder. Also called: POLQ-related condition.

Allele frequency attached by ClinVar (database versions not stated): gnomAD exomes 0.00188 and 0.00461; ExAC 0.00583; gnomAD 0.01775 and 0.01896; TOPMed 0.02071; ESP Exome Variant Server 0.02084; 1000 Genomes Project 0.02137; 1000 Genomes Project 30x 0.02389.
gnomAD v4.1: 5,521 of 1,613,760 alleles (0.34%); highest among the groups gnomAD compares: African/African-American, 6.2%; 173 homozygotes.

Submissions (3):

Labcorp Genetics (formerly Invitae), Labcorp
Classification: Benign. Last evaluated: 2018-02-28. Review status: criteria provided, single submitter. Criteria: Invitae Variant Classification Sherloc (09022015). Collection method: clinical testing. Allele origin: germline.

Breakthrough Genomics
Classification: Benign. Review status: criteria provided, single submitter. Criteria: ACMG Guidelines, 2015. Collection method: not provided. Allele origin: germline. Inheritance: Unknown mechanism. Affected: yes.

PreventionGenetics, part of Exact Sciences
Classification: Benign for POLQ-related condition. Last evaluated: 2019-03-23. Review status: no assertion criteria provided. Collection method: clinical testing. Allele origin: germline. Not counted in ClinVar's aggregate classification.
Comment: This variant is classified as benign based on ACMG/AMP sequence variant interpretation guidelines (Richards et al. 2015 PMID: 25741868, with internal and published modifications).

NM_199420.4(POLQ):c.873G>A (p.Pro291=)

Gene: POLQ (DNA polymerase theta; minus strand). Cytogenetic location: 3q13.33.
Variant type: single nucleotide variant.
Coding change: c.873G>A on transcript NM_199420.4 (MANE Select); coding-DNA position 873, G replaced by A.
Protein change: p.Pro291=; no amino-acid change (proline 291 retained).
Molecular consequence: synonymous variant.
Genome position (GRCh38, 1-based): chr3:121,533,077, C>T on the plus strand (G>A on the coding strand, the complement: POLQ is on the minus strand). VCF-style: chr3-121533077-C-T. GRCh37 (hg19) VCF-style: chr3-121251924-C-T.
Identifiers: ClinVar variation 712466 (VCV000712466.6), dbSNP rs41390550, ClinGen allele CA2563704.